The following is an entry in ClinVar:

ClinVar aggregate classification (germline): Uncertain significance (1 of 4 stars; one submission).

Submission:

Labcorp Genetics (formerly Invitae), Labcorp
Classification: Uncertain significance. Last evaluated: 2025-02-04. Review status: criteria provided, single submitter. Criteria: Invitae Variant Classification Sherloc (09022015). Collection method: clinical testing. Allele origin: germline.
Comment: This sequence change replaces glutamine, which is neutral and polar, with proline, which is neutral and non-polar, at codon 94 of the NTHL1 protein (p.Gln94Pro). This variant is not present in population databases (gnomAD no frequency). This variant has not been reported in the literature in individuals affected with NTHL1-related conditions. ClinVar contains an entry for this variant (Variation ID: 1057841). An algorithm developed to predict the effect of missense changes on protein structure and function (PolyPhen-2) suggests that this variant is likely to be tolerated. In summary, the available evidence is currently insufficient to determine the role of this variant in disease. Therefore, it has been classified as a Variant of Uncertain Significance.

NM_002528.7(NTHL1):c.257A>C (p.Gln86Pro)

Gene: NTHL1 (nth like DNA glycosylase 1; minus strand). Cytogenetic location: 16p13.3.
Variant type: single nucleotide variant.
Coding change: c.257A>C on transcript NM_002528.7 (MANE Select); coding-DNA position 257, A replaced by C.
Protein change: p.Gln86Pro; replaces glutamine 86 with proline.
Molecular consequence: missense variant. On other transcripts: intron variant (1).
Genome position (GRCh38, 1-based): chr16:2,046,225, T>G on the plus strand (A>C on the coding strand, the complement: NTHL1 is on the minus strand). VCF-style: chr16-2046225-T-G. GRCh37 (hg19) VCF-style: chr16-2096226-T-G.
Other names: c.257A>C, p.Gln86Pro (NM_001318193.2); c.24+55A>C (NM_001318194.2); short protein forms Q86P.
Identifiers: ClinVar variation 1057841 (VCV001057841.9), dbSNP rs369262985, ClinGen allele CA394297093.